The following is an entry in ClinVar:

NM_000540.3(RYR1):c.11683A>G (p.Asn3895Asp)

Gene: RYR1 (ryanodine receptor 1; plus strand). Cytogenetic location: 19q13.2.
Variant type: single nucleotide variant.
Coding change: c.11683A>G on transcript NM_000540.3 (MANE Select); coding-DNA position 11683, A replaced by G.
Protein change: p.Asn3895Asp; replaces asparagine 3895 with aspartic acid.
Molecular consequence: missense variant.
Genome position (GRCh38, 1-based): chr19:38,537,954, A>G. VCF-style: chr19-38537954-A-G. GRCh37 (hg19) VCF-style: chr19-39028594-A-G.
Other names: c.11683A>G (NM_000540.2); c.11668A>G, p.Asn3890Asp (NM_001042723.2); short protein forms N3890D, N3895D.
Identifiers: ClinVar variation 1500317 (VCV001500317.10), dbSNP rs544957104, ClinGen allele CA057441.

ClinVar aggregate classification (germline): Uncertain significance. Review status: criteria provided, multiple submitters, no conflicts (2 of 4 stars). 4 submissions from 4 submitters: Uncertain significance (4). Last evaluated 2025-04-10.

Conditions:
RYR1-related disorder. Also called: RYR1-related condition; RYR1-related disorders. Identifiers: MedGen CN239331.
Malignant hyperthermia, susceptibility to, 1 (MHS1). Also called: RYR1-Related Malignant Hyperthermia Susceptibility; Anesthesia related hyperthermia; Malignant hyperpyrexia; Fulminating hyperpyrexia; Pharmacogenic myopathy; Malignant hyperthermia suceptibility 1. Identifiers: Orphanet 423, MedGen C2930980, MONDO:0007783, OMIM 145600.

Allele frequency attached by ClinVar (database versions not stated): gnomAD 0.00001 and 0.00003; gnomAD exomes 0.00001 and 0.00004; TOPMed 0.00002; ExAC 0.00005; 1000 Genomes Project 30x 0.00031; 1000 Genomes Project 0.00040.
gnomAD v4.1: 24 of 1,613,946 alleles (0.0015%); highest among the groups gnomAD compares: East Asian, 0.029%; no homozygotes.

Submissions (4):

Labcorp Genetics (formerly Invitae), Labcorp
Classification: Uncertain significance for RYR1-related disorder. Last evaluated: 2025-04-10. Review status: criteria provided, single submitter. Criteria: Invitae Variant Classification Sherloc (09022015). Collection method: clinical testing. Allele origin: germline.
Comment: This sequence change replaces asparagine, which is neutral and polar, with aspartic acid, which is acidic and polar, at codon 3895 of the RYR1 protein (p.Asn3895Asp). This variant is present in population databases (rs544957104, gnomAD 0.04%). This variant has not been reported in the literature in individuals affected with RYR1-related conditions. ClinVar contains an entry for this variant (Variation ID: 1500317). Invitae Evidence Modeling of protein sequence and biophysical properties (such as structural, functional, and spatial information, amino acid conservation, physicochemical variation, residue mobility, and thermodynamic stability) indicates that this missense variant is expected to disrupt RYR1 protein function with a positive predictive value of 80%. In summary, the available evidence is currently insufficient to determine the role of this variant in disease. Therefore, it has been classified as a Variant of Uncertain Significance.

GeneDx
Classification: Uncertain significance. Last evaluated: 2025-04-01. Review status: criteria provided, single submitter. Criteria: GeneDx Variant Classification Process June 2021. Collection method: clinical testing. Allele origin: germline. Affected: yes.
Comment: In silico analysis supports that this missense variant has a deleterious effect on protein structure/function; Has not been previously published as pathogenic or benign to our knowledge

All of Us Research Program, National Institutes of Health
Classification: Uncertain significance for Malignant hyperthermia, susceptibility to, 1. Last evaluated: 2024-04-16. Review status: criteria provided, single submitter. Criteria: ACMG Guidelines, 2015. Collection method: clinical testing. Allele origin: germline. Inheritance: Autosomal dominant inheritance. Observed: 5 variant alleles, 5 heterozygotes.
Comment: This missense variant replaces asparagine with aspartic acid at codon 3895 of the RYR1 protein. Computational prediction is inconclusive regarding the impact of this variant on protein structure and function (internally defined REVEL score threshold 0.5 < inconclusive < 0.7, PMID: 27666373). To our knowledge, functional studies have not been reported for this variant. This variant has not been reported in individuals affected with RYR1-related disorders in the literature. This variant has been identified in 10/282764 chromosomes in the general population by the Genome Aggregation Database (gnomAD). The available evidence is insufficient to determine the role of this variant in disease conclusively. Therefore, this variant is classified as a Variant of Uncertain Significance.

This study involves interpretation of variants in research participants for the purpose of population health screening. Participant phenotype was not available at the time of variant classification. Additional details can be found in publication PMID: 35346344, PMCID: PMC8962531

Blueprint Genetics
Classification: Uncertain significance. Last evaluated: 2023-11-13. Review status: criteria provided, single submitter. Criteria: ACMG Guidelines, 2015. Collection method: clinical testing. Allele origin: germline.